The following is an entry in ClinVar:

NM_001378969.1(KCND3):c.533C>T (p.Thr178Ile)

Gene: KCND3 (potassium voltage-gated channel subfamily D member 3; minus strand). Cytogenetic location: 1p13.2.
Variant type: single nucleotide variant.
Coding change: c.533C>T on transcript NM_001378969.1 (MANE Select); coding-DNA position 533, C replaced by T.
Protein change: p.Thr178Ile; replaces threonine 178 with isoleucine.
Molecular consequence: missense variant.
Genome position (GRCh38, 1-based): chr1:111,982,194, G>A on the plus strand (C>T on the coding strand, the complement: KCND3 is on the minus strand). VCF-style: chr1-111982194-G-A. GRCh37 (hg19) VCF-style: chr1-112524816-G-A.
Other names: c.533C>T, p.Thr178Ile (NM_001378970.1, NM_004980.5, NM_172198.3); short protein forms T178I.
Identifiers: ClinVar variation 2625194 (VCV002625194.3), dbSNP rs1285191497, ClinGen allele CA341821919.

ClinVar aggregate classification (germline): Uncertain significance. Review status: criteria provided, multiple submitters, no conflicts (2 of 4 stars). 2 submissions from 2 submitters: Uncertain significance (2). Last evaluated 2023-11-21.

Conditions:
Cardiovascular phenotype. Identifiers: MedGen CN230736.

Allele frequency attached by ClinVar (database versions not stated): gnomAD 0.00001.
gnomAD v4.1: 2 of 1,613,990 alleles (0.00012%); highest among the groups gnomAD compares: East Asian, 0.0022%; no homozygotes.

Submissions (2):

GeneDx
Classification: Uncertain significance. Last evaluated: 2023-11-21. Review status: criteria provided, single submitter. Criteria: GeneDx Variant Classification Process June 2021. Collection method: clinical testing. Allele origin: germline. Affected: yes.
Comment: Not observed at significant frequency in large population cohorts (gnomAD); In silico analysis supports that this missense variant has a deleterious effect on protein structure/function; Has not been previously published as pathogenic or benign to our knowledge

Ambry Genetics
Classification: Uncertain significance for Cardiovascular phenotype. Last evaluated: 2023-09-07. Review status: criteria provided, single submitter. Criteria: Ambry Variant Classification Scheme 2023. Collection method: clinical testing. Allele origin: germline.
Comment: The p.T178I variant (also known as c.533C>T), located in coding exon 1 of the KCND3 gene, results from a C to T substitution at nucleotide position 533. The threonine at codon 178 is replaced by isoleucine, an amino acid with similar properties. This amino acid position is highly conserved in available vertebrate species. In addition, this alteration is predicted to be deleterious by in silico analysis. Since supporting evidence is limited at this time, the clinical significance of this alteration remains unclear.